The following is an entry in ClinVar:

ClinVar aggregate classification (germline): Benign. Review status: criteria provided, single submitter (1 of 4 stars). 2 submissions from 2 submitters: Benign (1). 1 of the submissions does not count toward it. Last evaluated 2025-08-04.

Conditions:
SOX17-related disorder. Also called: SOX17-related condition.

Allele frequency attached by ClinVar (database versions not stated): gnomAD 0.00009; TOPMed 0.00017.

Submissions (2):

Labcorp Genetics (formerly Invitae), Labcorp
Classification: Benign. Last evaluated: 2025-08-04. Review status: criteria provided, single submitter. Criteria: Invitae Variant Classification Sherloc (09022015). Collection method: clinical testing. Allele origin: germline.

PreventionGenetics, part of Exact Sciences
Classification: Likely benign for SOX17-related condition. Last evaluated: 2024-03-01. Review status: no assertion criteria provided. Collection method: clinical testing. Allele origin: germline. Not counted in ClinVar's aggregate classification.
Comment: This variant is classified as likely benign based on ACMG/AMP sequence variant interpretation guidelines (Richards et al. 2015 PMID: 25741868, with internal and published modifications).

NM_022454.4(SOX17):c.633G>T (p.Ala211=)

Gene: SOX17 (SRY-box transcription factor 17; plus strand). Cytogenetic location: 8q11.23.
Variant type: single nucleotide variant.
Coding change: c.633G>T on transcript NM_022454.4 (MANE Select); coding-DNA position 633, G replaced by T.
Protein change: p.Ala211=; no amino-acid change (alanine 211 retained).
Molecular consequence: synonymous variant.
Genome position (GRCh38, 1-based): chr8:54,459,383, G>T. VCF-style: chr8-54459383-G-T. GRCh37 (hg19) VCF-style: chr8-55371943-G-T.
Other names: c.633G>T (NM_022454.3).
Identifiers: ClinVar variation 2143471 (VCV002143471.6), dbSNP rs781681343, ClinGen allele CA4750948.